The following is an entry in ClinVar:

NM_001009944.3(PKD1):c.12138+2T>G

Gene: PKD1 (polycystin 1, transient receptor potential channel interacting; minus strand). Cytogenetic location: 16p13.3.
Variant type: single nucleotide variant.
Coding change: c.12138+2T>G on transcript NM_001009944.3 (MANE Select); the canonical splice donor site of the intron after coding-DNA position 12138, T replaced by G.
Molecular consequence: splice donor variant.
Genome position (GRCh38, 1-based): chr16:2,090,672, A>C on the plus strand (T>G on the coding strand, the complement: PKD1 is on the minus strand). VCF-style: chr16-2090672-A-C. GRCh37 (hg19) VCF-style: chr16-2140673-A-C.
Other names: c.12135+2T>G (NM_000296.4).
Identifiers: ClinVar variation 4879600 (VCV004879600.1).

ClinVar aggregate classification (germline): Pathogenic (1 of 4 stars; one submission).

Conditions:
Polycystic kidney disease, adult type (PKD1). Also called: Polycystic Kidney Disease 1, Autosomal Dominant; Polycystic kidney disease 1; Polycystic kidney disease 1, severe; POLYCYSTIC KIDNEY DISEASE, ADULT, TYPE I; Polycystic Kidney, Autosomal Dominant; POLYCYSTIC KIDNEY DISEASE 1 WITH OR WITHOUT POLYCYSTIC LIVER DISEASE. Identifiers: MedGen C3149841, MONDO:0008263, OMIM 173900.

Submission:

Victorian Clinical Genetics Services, Murdoch Childrens Research Institute
Classification: Pathogenic for Polycystic kidney disease, adult type. Last evaluated: 2026-07-21. Review status: criteria provided, single submitter. Criteria: ACMG Guidelines, 2015. Collection method: clinical testing. Allele origin: germline. Affected: yes.
Comment: This variant is classified as Pathogenic. Evidence in support of pathogenic classification: Canonical splice site variant without proven consequence on splicing (no functional evidence available); This variant is absent from gnomAD v4; This variant has limited previous evidence of pathogenicity in an unrelated individual(s). This variant has been reported in the literature in a cohort of ADPKD patients (PMID: 22508176). - Other variants comparable to the one identified in this case have very strong previous evidence for pathogenicity. c.12138+2T>A and c.12138+1G>A have been classified as pathogenic by clinical laboratories in ClinVar. In addition, c.12138+2T>C and c.12138+1G>C have been reported in the literature in individuals with ADPKD (PMIDs: 12070253, 8004675); Abnormal splicing is predicted by in silico tool and affected nucleotide is highly conserved. Additional information: This variant is heterozygous; This gene is associated with autosomal dominant disease. Polycystic kidney disease 1 (MIM#173900) is predominantly caused by monoallelic variants, with rare reports of biallelic variants causing disease (OMIM); Alternative nucleotide change(s) at the same canonical splice site are present in gnomAD (highest allele count: v4: 1 heterozygote(s), 0 homozygote(s)); No published evidence of segregation with disease has been identified for this variant; No published functional evidence has been identified for this variant; Loss of function is a known mechanism of disease in this gene and is associated with polycystic kidney disease 1 (MIM#173900); Inheritance information for this variant is not currently available in this individual.

Literature cited by the submitters: PubMed 22508176; PubMed 8004675; PubMed 12070253.